The following is an entry in ClinVar:

NM_003482.4(KMT2D):c.14966G>A (p.Arg4989Gln)

Gene: KMT2D (lysine methyltransferase 2D; minus strand). Cytogenetic location: 12q13.12.
Variant type: single nucleotide variant.
Coding change: c.14966G>A on transcript NM_003482.4 (MANE Select); coding-DNA position 14966, G replaced by A.
Protein change: p.Arg4989Gln; replaces arginine 4989 with glutamine.
Molecular consequence: missense variant.
Genome position (GRCh38, 1-based): chr12:49,027,000, C>T on the plus strand (G>A on the coding strand, the complement: KMT2D is on the minus strand). VCF-style: chr12-49027000-C-T. GRCh37 (hg19) VCF-style: chr12-49420783-C-T.
Other names: c.14966G>A (NM_003482.3); short protein forms R4989Q.
Identifiers: ClinVar variation 1410805 (VCV001410805.9), dbSNP rs766918626, ClinGen allele CA6545626.

ClinVar aggregate classification (germline): Benign. Review status: criteria provided, single submitter (1 of 4 stars). 2 submissions from 2 submitters: Benign (1). 1 of the submissions does not count toward it. Last evaluated 2023-11-13.

Conditions:
KMT2D-related disorder. Also called: KMT2D-Related Disorders.
Kabuki syndrome. Also called: Kabuki make-up syndrome; NIIKAWA-KUROKI SYNDROME. Identifiers: Orphanet 2322, MedGen C0796004, MONDO:0016512.

Allele frequency attached by ClinVar (database versions not stated): ExAC 0.00001; gnomAD 0.00001; gnomAD exomes 0.00001; TOPMed 0.00001.
gnomAD v4.1: 17 of 1,613,918 alleles (0.0011%); highest among the groups gnomAD compares: Middle Eastern, 0.016%; no homozygotes.

Submissions (2):

Labcorp Genetics (formerly Invitae), Labcorp
Classification: Benign for Kabuki syndrome. Last evaluated: 2023-11-13. Review status: criteria provided, single submitter. Criteria: Invitae Variant Classification Sherloc (09022015). Collection method: clinical testing. Allele origin: germline.

PreventionGenetics, part of Exact Sciences
Classification: Uncertain significance for KMT2D-related condition. Last evaluated: 2024-05-08. Review status: no assertion criteria provided. Collection method: clinical testing. Allele origin: germline. Not counted in ClinVar's aggregate classification.
Comment: The KMT2D c.14966G>A variant is predicted to result in the amino acid substitution p.Arg4989Gln. To our knowledge, this variant has not been reported in the literature. This variant is reported in 0.0027% of alleles in individuals of European (Non-Finnish) descent in gnomAD. At this time, the clinical significance of this variant is uncertain due to the absence of conclusive functional and genetic evidence.